The following is an entry in ClinVar:

ClinVar aggregate classification (germline): Uncertain significance (1 of 4 stars; one submission).

Conditions:
Hereditary pancreatitis (PCTT). Also called: Hereditary chronic pancreatitis; PRSS1-Related Hereditary Pancreatitis. Identifiers: Orphanet 676, MedGen C0238339, MONDO:0008185, OMIM 167800.

Submission:

Ambry Genetics
Classification: Uncertain significance for Hereditary pancreatitis. Last evaluated: 2024-05-17. Review status: criteria provided, single submitter. Criteria: Ambry Variant Classification Scheme 2023. Collection method: clinical testing. Allele origin: germline.
Comment: The p.L213V variant (also known as c.637T>G), located in coding exon 6 of the CPA1 gene, results from a T to G substitution at nucleotide position 637. The leucine at codon 213 is replaced by valine, an amino acid with highly similar properties. This amino acid position is conserved. In addition, this alteration is predicted to be tolerated by in silico analysis. Based on the available evidence, the clinical significance of this variant remains unclear.

NM_001868.4(CPA1):c.637T>G (p.Leu213Val)

Gene: CPA1 (carboxypeptidase A1; plus strand). Cytogenetic location: 7q32.2.
Variant type: single nucleotide variant.
Coding change: c.637T>G on transcript NM_001868.4 (MANE Select); coding-DNA position 637, T replaced by G.
Protein change: p.Leu213Val; replaces leucine 213 with valine.
Molecular consequence: missense variant.
Genome position (GRCh38, 1-based): chr7:130,383,735, T>G. VCF-style: chr7-130383735-T-G. GRCh37 (hg19) VCF-style: chr7-130023576-T-G.
Other names: short protein forms L213V.
Identifiers: ClinVar variation 3269094 (VCV003269094.1).